The following is an entry in ClinVar:

ClinVar aggregate classification (germline): Benign. Review status: criteria provided, multiple submitters, no conflicts (2 of 4 stars). 5 submissions from 5 submitters: Benign (5). Last evaluated 2026-02-03.

Allele frequency attached by ClinVar (database versions not stated): 1000 Genomes Project 30x 0.05887; ExAC 0.05923; gnomAD exomes 0.04215; 1000 Genomes Project 0.05751; gnomAD 0.05453 and 0.05435; TOPMed 0.05421.
gnomAD v4.1: 62,154 of 1,548,812 alleles (4%); highest among the groups gnomAD compares: African/African-American, 9.9%; 1,570 homozygotes.

Submissions (5):

Labcorp Genetics (formerly Invitae), Labcorp
Classification: Benign. Last evaluated: 2026-02-03. Review status: criteria provided, single submitter. Criteria: Invitae Variant Classification Sherloc (09022015). Collection method: clinical testing. Allele origin: germline.

Mayo Clinic Laboratories, Mayo Clinic
Classification: Benign. Last evaluated: 2021-01-07. Review status: criteria provided, single submitter. Criteria: ACMG Guidelines, 2015. Collection method: clinical testing. Allele origin: germline. Observed: 13 variant alleles.

GeneDx
Classification: Benign. Last evaluated: 2017-05-09. Review status: criteria provided, single submitter. Criteria: GeneDx Variant Classification (06012015). Collection method: clinical testing. Allele origin: germline. Affected: yes.
Comment: This variant is considered likely benign or benign based on one or more of the following criteria: it is a conservative change, it occurs at a poorly conserved position in the protein, it is predicted to be benign by multiple in silico algorithms, and/or has population frequency not consistent with disease.

Laboratory for Molecular Medicine, Mass General Brigham Personalized Medicine
Classification: Benign. Last evaluated: 2014-11-24. Review status: criteria provided, single submitter. Criteria: LMM Criteria. Collection method: clinical testing. Allele origin: germline. Observed: 80 variant alleles.
Comment: Thr1090Thr in exon 26 of OTOG: This variant is not expected to have clinical sig nificance because it does not alter an amino acid residue and is not located wit hin the splice consensus sequence. It has been identified in 13.4% (26/194) of L uhya (Kenyan) chromosomes from a broad population by the 1000 Genomes Project (dbSNP rs875696).

Breakthrough Genomics
Classification: Benign. Review status: criteria provided, single submitter. Criteria: ACMG Guidelines, 2015. Collection method: not provided. Allele origin: germline. Inheritance: Autosomal recessive inheritance. Affected: yes.

NM_001292063.2(OTOG):c.3234C>A (p.Thr1078=)

Gene: OTOG (otogelin; plus strand). Cytogenetic location: 11p15.1.
Variant type: single nucleotide variant.
Coding change: c.3234C>A on transcript NM_001292063.2 (MANE Select); coding-DNA position 3234, C replaced by A.
Protein change: p.Thr1078=; no amino-acid change (threonine 1078 retained).
Molecular consequence: synonymous variant.
Genome position (GRCh38, 1-based): chr11:17,593,702, C>A. VCF-style: chr11-17593702-C-A. GRCh37 (hg19) VCF-style: chr11-17615249-C-A.
Other names: p.Thr1090=; c.3270C>A, p.Thr1090= (NM_001277269.2).
Identifiers: ClinVar variation 226880 (VCV000226880.15), dbSNP rs875696, ClinGen allele CA5905711.